The following is an entry in ClinVar:

ClinVar aggregate classification (germline): Uncertain significance (1 of 4 stars; one submission).

Conditions:
SOX11-related disorder. Also called: SOX11-related condition.

Submission:

PreventionGenetics, part of Exact Sciences
Classification: Uncertain significance for SOX11-related condition. Last evaluated: 2026-05-12. Review status: criteria provided, single submitter. Criteria: ACMG Guidelines, 2015. Collection method: clinical testing. Allele origin: germline.
Comment: The SOX11 c.947A>G variant is predicted to result in the amino acid substitution p.Lys316Arg. To our knowledge, this variant has not been reported in the literature or in a large population database (gnomAD), indicating this variant is rare. At this time, the clinical significance of this variant is uncertain due to the absence of conclusive functional and genetic evidence.

NM_003108.4(SOX11):c.947A>G (p.Lys316Arg)

Gene: SOX11 (SRY-box transcription factor 11; plus strand). Cytogenetic location: 2p25.2.
Variant type: single nucleotide variant.
Coding change: c.947A>G on transcript NM_003108.4 (MANE Select); coding-DNA position 947, A replaced by G.
Protein change: p.Lys316Arg; replaces lysine 316 with arginine.
Molecular consequence: missense variant.
Genome position (GRCh38, 1-based): chr2:5,693,668, A>G. VCF-style: chr2-5693668-A-G. GRCh37 (hg19) VCF-style: chr2-5833800-A-G.
Other names: short protein forms K316R.
Identifiers: ClinVar variation 4984618 (VCV004984618.1).